The following is an entry in ClinVar:

ClinVar aggregate classification (germline): Pathogenic (1 of 4 stars; one submission).

Conditions:
Hereditary spastic paraplegia 11. Also called: SPASTIC PARAPLEGIA, AUTOSOMAL RECESSIVE, COMPLICATED, WITH THIN CORPUS CALLOSUM; SPASTIC PARAPLEGIA, AUTOSOMAL RECESSIVE, WITH MENTAL IMPAIRMENT AND THIN CORPUS CALLOSUM; Spastic Paraplegia 11; Nakamura Osame syndrome; Autosomal recessive hereditary spastic paraplegia, mental impairment, and thin corpus callosum; Spastic paraplegia, mental retardation and thin corpus callosum. Identifiers: Orphanet 2822, MedGen C1858479, MONDO:0011445, OMIM 604360.

Submission:

Labcorp Genetics (formerly Invitae), Labcorp
Classification: Pathogenic for Hereditary spastic paraplegia 11. Last evaluated: 2022-09-12. Review status: criteria provided, single submitter. Criteria: Invitae Variant Classification Sherloc (09022015). Collection method: clinical testing. Allele origin: germline.
Comment: This variant has not been reported in the literature in individuals affected with SPG11-related conditions. This sequence change creates a premature translational stop signal (p.Ala2122Valfs*19) in the SPG11 gene. It is expected to result in an absent or disrupted protein product. Loss-of-function variants in SPG11 are known to be pathogenic (PMID: 19105190, 20110243, 22154821, 26556829). This variant is not present in population databases (gnomAD no frequency). ClinVar contains an entry for this variant (Variation ID: 1356268). Algorithms developed to predict the effect of sequence changes on RNA splicing suggest that this variant may disrupt the consensus splice site. For these reasons, this variant has been classified as Pathogenic.

Literature cited by the submitters: PubMed 19105190; PubMed 20110243; PubMed 22154821; PubMed 26556829.

NM_025137.4(SPG11):c.6365_6387del (p.Ala2122fs)

Gene: SPG11 (SPG11 vesicle trafficking associated, spatacsin; minus strand). Cytogenetic location: 15q21.1.
Variant type: Deletion.
Coding change: c.6365_6387del on transcript NM_025137.4 (MANE Select); coding-DNA positions 6365 to 6387, 23 bases deleted (CCCATCATTGCTTCACCCTGACG).
Protein change: p.Ala2122fs; shifts the reading frame from alanine 2122.
Molecular consequence: frameshift variant.
Genome position (GRCh38, 1-based): chr15:44,570,615-44,570,637, CGTCAGGGTGAAGCAATGATGGG deleted on the plus strand (CCCATCATTGCTTCACCCTGACG on the coding strand, the reverse complement: SPG11 is on the minus strand); deleting any 23 consecutive bases within chr15:44,570,615-44,570,638 gives the same sequence; the c. name uses the placement nearest the transcript's 3' end. VCF-style (leftmost placement, unchanged base first): chr15-44570614-ACGTCAGGGTGAAGCAATGATGGG-A. GRCh37 (hg19) VCF-style: chr15-44862812-ACGTCAGGGTGAAGCAATGATGGG-A.
Other names: c.6026_6048del, p.Ala2009fs (NM_001160227.2); short protein forms A2122fs, A2009fs.
Identifiers: ClinVar variation 1356268 (VCV001356268.6), dbSNP rs2140923165, ClinGen allele CA2573150869.